The following is an entry in ClinVar:

NM_181486.4(TBX5):c.456del (p.Val153fs)

Gene: TBX5 (T-box transcription factor 5; minus strand). Cytogenetic location: 12q24.21.
Variant type: Deletion.
Coding change: c.456del on transcript NM_181486.4 (MANE Select); coding-DNA position 456, one base deleted (C; older notation c.456delC).
Protein change: p.Val153fs; shifts the reading frame from valine 153.
Molecular consequence: frameshift variant.
Genome position (GRCh38, 1-based): chr12:114,398,627, G deleted on the plus strand (C on the coding strand, the reverse complement: TBX5 is on the minus strand). VCF-style (leftmost placement, unchanged base first): chr12-114398626-CG-C. GRCh37 (hg19) VCF-style: chr12-114836431-CG-C.
Other names: c.456delC (NM_000192.3); c.456del, p.Val153fs (NM_000192.3); c.306del, p.Val103fs (NM_080717.4); short protein forms V103fs, V153fs.
Identifiers: ClinVar variation 377113 (VCV000377113.9), dbSNP rs1057520136, ClinGen allele CA16603272.

ClinVar aggregate classification (germline): Pathogenic. Review status: criteria provided, multiple submitters, no conflicts (2 of 4 stars). 2 submissions from 2 submitters: Pathogenic (2). Last evaluated 2025-11-27.

Conditions:
Aortic valve disease 2 (AOVD2). Identifiers: MedGen C3542024, MONDO:0013902, OMIM 614823.

Submissions (2):

Labcorp Genetics (formerly Invitae), Labcorp
Classification: Pathogenic for Aortic valve disease 2. Last evaluated: 2025-11-27. Review status: criteria provided, single submitter. Criteria: Invitae Variant Classification Sherloc (09022015). Collection method: clinical testing. Allele origin: germline.
Comment: This sequence change creates a premature translational stop signal (p.Val153Serfs*21) in the TBX5 gene. It is expected to result in an absent or disrupted protein product. Loss-of-function variants in TBX5 are known to be pathogenic (PMID: 16183809, 16917909). This variant is not present in population databases (gnomAD no frequency). This premature translational stop signal has been observed in individual(s) with Holt-Oram syndrome (PMID: 12789647, 16183809, 16917909). ClinVar contains an entry for this variant (Variation ID: 377113). For these reasons, this variant has been classified as Pathogenic.

Center for Pediatric Genomic Medicine, Children's Mercy Hospital and Clinics
Classification: Pathogenic. Last evaluated: 2016-11-08. Review status: criteria provided, single submitter. Criteria: ACMG Guidelines, 2015. Collection method: clinical testing. Allele origin: germline.

Literature cited by the submitters: PubMed 16183809 (cited by Labcorp Genetics (formerly Invitae), Labcorp); PubMed 16917909 (cited by Labcorp Genetics (formerly Invitae), Labcorp); PubMed 12789647 (cited by Labcorp Genetics (formerly Invitae), Labcorp).